The following is an entry in ClinVar:

NM_000388.4(CASR):c.2278A>G (p.Ile760Val)

Gene: CASR (calcium sensing receptor; plus strand). Cytogenetic location: 3q21.1.
Variant type: single nucleotide variant.
Coding change: c.2278A>G on transcript NM_000388.4 (MANE Select); coding-DNA position 2278, A replaced by G.
Protein change: p.Ile760Val; replaces isoleucine 760 with valine.
Molecular consequence: missense variant.
Genome position (GRCh38, 1-based): chr3:122,284,232, A>G. VCF-style: chr3-122284232-A-G. GRCh37 (hg19) VCF-style: chr3-122003079-A-G.
Other names: c.2308A>G, p.Ile770Val (NM_001178065.2); short protein forms I760V, I770V.
Identifiers: ClinVar variation 1500807 (VCV001500807.6), dbSNP rs1453953571, ClinGen allele CA354159288.
Genomic context (GRCh38, chr3:122,284,232, plus strand): 5'-GTGATCTGGCTCTACACCGCGCCCCCGTCAAGCTACCGCAACCAGGAGCTGGAGGATGAG[A>G]TCATCTTCATCACGTGCCACGAGGGCTCCCTCATGGCCCTGGGCTTCCTGATCGGCTACA-3'
Protein context (NP_000379.3, residues 750-770): SYRNQELEDE[Ile760Val]IFITCHEGSL

ClinVar aggregate classification (germline): Uncertain significance (1 of 4 stars; one submission).

Conditions:
Autosomal dominant hypocalcemia 1 (HYPOC1). Also called: HYPOCALCEMIA, FAMILIAL. Identifiers: MedGen C3715128, MONDO:0011013, OMIM 601198.
Familial hypocalciuric hypercalcemia (FHH). Also called: Familial benign hypercalcemia. Identifiers: Orphanet 405, MedGen C1809471, MONDO:0018458.

Submission:

Labcorp Genetics (formerly Invitae), Labcorp
Classification: Uncertain significance for Familial hypocalciuric hypercalcemia; Autosomal dominant hypocalcemia 1. Last evaluated: 2022-08-23. Review status: criteria provided, single submitter. Criteria: Invitae Variant Classification Sherloc (09022015). Collection method: clinical testing. Allele origin: germline.
Comment: In summary, the available evidence is currently insufficient to determine the role of this variant in disease. Therefore, it has been classified as a Variant of Uncertain Significance. Algorithms developed to predict the effect of sequence changes on RNA splicing suggest that this variant may create or strengthen a splice site. Algorithms developed to predict the effect of missense changes on protein structure and function are either unavailable or do not agree on the potential impact of this missense change (SIFT: "Deleterious"; PolyPhen-2: "Benign"; Align-GVGD: "Class C25"). ClinVar contains an entry for this variant (Variation ID: 1500807). This variant has not been reported in the literature in individuals affected with CASR-related conditions. This variant is not present in population databases (gnomAD no frequency). This sequence change replaces isoleucine, which is neutral and non-polar, with valine, which is neutral and non-polar, at codon 760 of the CASR protein (p.Ile760Val).